The following is an entry in ClinVar:

ClinVar aggregate classification (germline): Uncertain significance (1 of 4 stars; one submission).

Conditions:
Early-infantile DEE. Also called: Ohtahara syndrome; Early infantile epileptic encephalopathy with suppression bursts; Early infantile epileptic encephalopathy. Identifiers: Orphanet 1934, MedGen C0393706, MONDO:0800491.

Submission:

Labcorp Genetics (formerly Invitae), Labcorp
Classification: Uncertain significance for Early-infantile DEE. Last evaluated: 2025-02-12. Review status: criteria provided, single submitter. Criteria: Invitae Variant Classification Sherloc (09022015). Collection method: clinical testing. Allele origin: germline.
Comment: This sequence change replaces serine, which is neutral and polar, with glycine, which is neutral and non-polar, at codon 511 of the KCNQ2 protein (p.Ser511Gly). This variant is not present in population databases (gnomAD no frequency). This variant has not been reported in the literature in individuals affected with KCNQ2-related conditions. Invitae Evidence Modeling of protein sequence and biophysical properties (such as structural, functional, and spatial information, amino acid conservation, physicochemical variation, residue mobility, and thermodynamic stability) has been performed for this missense variant. However, the output from this modeling did not meet the statistical confidence thresholds required to predict the impact of this variant on KCNQ2 protein function. Algorithms developed to predict the effect of sequence changes on RNA splicing suggest that this variant may create or strengthen a splice site. In summary, the available evidence is currently insufficient to determine the role of this variant in disease. Therefore, it has been classified as a Variant of Uncertain Significance.

NM_172107.4(KCNQ2):c.1531A>G (p.Ser511Gly)

Gene: KCNQ2 (potassium voltage-gated channel subfamily Q member 2; minus strand). Cytogenetic location: 20q13.33.
Variant type: single nucleotide variant.
Coding change: c.1531A>G on transcript NM_172107.4 (MANE Select); coding-DNA position 1531, A replaced by G.
Protein change: p.Ser511Gly; replaces serine 511 with glycine.
Molecular consequence: missense variant.
Genome position (GRCh38, 1-based): chr20:63,414,188, T>C on the plus strand (A>G on the coding strand, the complement: KCNQ2 is on the minus strand). VCF-style: chr20-63414188-T-C. GRCh37 (hg19) VCF-style: chr20-62045541-T-C.
Other names: c.1477A>G, p.Ser493Gly (NM_001382235.1, NM_172106.3); c.1474A>G, p.Ser492Gly (NM_001439003.1); c.1444A>G, p.Ser482Gly (NM_001439004.1); c.1447A>G, p.Ser483Gly (NM_004518.6); c.1438A>G, p.Ser480Gly (NM_172108.5); short protein forms S482G, S483G, S493G, S511G, S480G, S492G.
Identifiers: ClinVar variation 4747411 (VCV004747411.1).